The following is an entry in ClinVar:

ClinVar aggregate classification (germline): Pathogenic. Review status: criteria provided, multiple submitters, no conflicts (2 of 4 stars). 2 submissions from 2 submitters: Pathogenic (2). Last evaluated 2021-09-01.

Conditions:
GTP cyclohydrolase I deficiency. Identifiers: MedGen C0268467, MONDO:0100184.
Dystonia 5 (DRD). Also called: DYT-GCH1; DYSTONIA, PROGRESSIVE, WITH DIURNAL VARIATION; DYSTONIA-PARKINSONISM WITH DIURNAL FLUCTUATION; GTP Cyclohydrolase 1-Deficient Dopa-Responsive Dystonia; Dystonia, DOPA-responsive, with or without hyperphenylalaninemia. Identifiers: Orphanet 98808, MedGen C1851920, MONDO:0007495, OMIM 128230.

Submissions (2):

Labcorp Genetics (formerly Invitae), Labcorp
Classification: Pathogenic for GTP cyclohydrolase I deficiency; Dystonia 5. Last evaluated: 2021-09-01. Review status: criteria provided, single submitter. Criteria: Invitae Variant Classification Sherloc (09022015). Collection method: clinical testing. Allele origin: germline.

GeneDx
Classification: Pathogenic. Last evaluated: 2018-01-08. Review status: criteria provided, single submitter. Criteria: GeneDx Variant Classification (06012015). Collection method: clinical testing. Allele origin: germline. Affected: yes.
Comment: The c.541+1G>T variant in the GCH1 gene has not been reported previously as a pathogenic variant nor as a benign variant, to our knowledge. This splice site variant destroys the canonical splice donor site in intron 4. It is predicted to cause abnormal gene splicing, either leading to an abnormal message that is subject to nonsense-mediated mRNA decay, or to an abnormal protein product if the message is used for protein translation. The c.541+1G>T variant is not observed in large population cohorts (Lek et al., 2016). We interpret c.541+1G>T as a pathogenic variant.

NM_000161.3(GCH1):c.541+1G>T

Gene: GCH1 (GTP cyclohydrolase 1; minus strand). Cytogenetic location: 14q22.2.
Variant type: single nucleotide variant.
Coding change: c.541+1G>T on transcript NM_000161.3 (MANE Select); the canonical splice donor site of the intron after coding-DNA position 541, G replaced by T.
Molecular consequence: splice donor variant.
Genome position (GRCh38, 1-based): chr14:54,847,098, C>A on the plus strand (G>T on the coding strand, the complement: GCH1 is on the minus strand). VCF-style: chr14-54847098-C-A. GRCh37 (hg19) VCF-style: chr14-55313816-C-A.
Other names: c.541+1G>T (NM_001024071.2, NM_001024070.2, NM_001024024.2).
Identifiers: ClinVar variation 489338 (VCV000489338.7), dbSNP rs1555358599, ClinGen allele CA389787439.